The following is an entry in ClinVar:

NM_170754.4(TNS2):c.3158C>G (p.Pro1053Arg)

Gene: TNS2 (tensin 2; plus strand). Cytogenetic location: 12q13.13.
Variant type: single nucleotide variant.
Coding change: c.3158C>G on transcript NM_170754.4 (MANE Select); coding-DNA position 3158, C replaced by G.
Protein change: p.Pro1053Arg; replaces proline 1053 with arginine.
Molecular consequence: missense variant.
Genome position (GRCh38, 1-based): chr12:53,061,064, C>G. VCF-style: chr12-53061064-C-G. GRCh37 (hg19) VCF-style: chr12-53454848-C-G.
Other names: c.3158C>G, p.Pro1053Arg (NM_001416202.1); c.3116C>G, p.Pro1039Arg (NM_001416203.1); c.3185C>G, p.Pro1062Arg (NM_001416204.1); c.3089C>G, p.Pro1030Arg (NM_015319.3); c.2786C>G, p.Pro929Arg (NM_198316.2); short protein forms P1053R, P1063R, P929R, P1030R, P1039R, P1062R.
Identifiers: ClinVar variation 806894 (VCV000806894.49), dbSNP rs375650806, ClinGen allele CA6592778.
Genomic context (GRCh38, chr12:53,061,064, plus strand): 5'-CTCCTGTGCCTTCCCAGATGCCCTGGCTTGTGGCCAGCCCAGAGCCGCCTCAGAGCTCAC[C>G]TACACCTGCTTTCCCCCTGGCTGCCTCCTATGACACCAATGGCCTTAGCCAGCCCCCACT-3'
Protein context (NP_736610.2, residues 1043-1063): VASPEPPQSS[Pro1053Arg]TPAFPLAASY

ClinVar aggregate classification (germline): Uncertain significance. Review status: criteria provided, multiple submitters, no conflicts (2 of 4 stars). 4 submissions from 4 submitters: Uncertain significance (3). 1 of the submissions does not count toward it. Last evaluated 2025-10-07.

Conditions:
TNS2-related disorder. Also called: TNS2-related condition.

Allele frequency attached by ClinVar (database versions not stated): gnomAD 0.00005 and 0.00012; ESP Exome Variant Server 0.00008; TOPMed 0.00009; 1000 Genomes Project 0.00020; gnomAD exomes 0.00028; ExAC 0.00032; 1000 Genomes Project 30x 0.00047.

Submissions (4):

Labcorp Genetics (formerly Invitae), Labcorp
Classification: Uncertain significance. Last evaluated: 2025-10-07. Review status: criteria provided, single submitter. Criteria: Invitae Variant Classification Sherloc (09022015). Collection method: clinical testing. Allele origin: germline.
Comment: This sequence change replaces proline, which is neutral and non-polar, with arginine, which is basic and polar, at codon 1063 of the TNS2 protein (p.Pro1063Arg). This variant is present in population databases (rs375650806, gnomAD 0.2%), and has an allele count higher than expected for a pathogenic variant. This variant has not been reported in the literature in individuals affected with TNS2-related conditions. ClinVar contains an entry for this variant (Variation ID: 806894). An algorithm developed to predict the effect of missense changes on protein structure and function (PolyPhen-2) suggests that this variant is likely to be disruptive. In summary, the available evidence is currently insufficient to determine the role of this variant in disease. Therefore, it has been classified as a Variant of Uncertain Significance.

CeGaT Center for Human Genetics Tuebingen
Classification: Uncertain significance. Last evaluated: 2019-01-01. Review status: criteria provided, single submitter. Criteria: CeGaT Center For Human Genetics Tuebingen Variant Classification Criteria Version 2. Collection method: clinical testing. Allele origin: germline. Affected: yes. Observed: 1 variant allele.

Breakthrough Genomics
Classification: Uncertain significance. Review status: criteria provided, single submitter. Criteria: ACMG Guidelines, 2015. Collection method: not provided. Allele origin: germline. Inheritance: Unknown mechanism. Affected: yes.

PreventionGenetics, part of Exact Sciences
Classification: Likely benign for TNS2-related condition. Last evaluated: 2022-05-25. Review status: no assertion criteria provided. Collection method: clinical testing. Allele origin: germline. Not counted in ClinVar's aggregate classification.
Comment: This variant is classified as likely benign based on ACMG/AMP sequence variant interpretation guidelines (Richards et al. 2015 PMID: 25741868, with internal and published modifications).